The following is an entry in ClinVar:

ClinVar aggregate classification (germline): Uncertain significance. Review status: criteria provided, multiple submitters, no conflicts (2 of 4 stars). 2 submissions from 2 submitters: Uncertain significance (2). Last evaluated 2025-06-23.

Conditions:
Inborn genetic diseases. Identifiers: MedGen C0950123, MeSH D030342.
Baller-Gerold syndrome (BGS). Also called: CRANIOSYNOSTOSIS WITH RADIAL DEFECTS. Identifiers: Orphanet 1225, MedGen C0265308, MONDO:0009039, OMIM 218600.

Submissions (2):

Ambry Genetics
Classification: Uncertain significance for Inborn genetic diseases. Last evaluated: 2025-06-23. Review status: criteria provided, single submitter. Criteria: Ambry Variant Classification Scheme 2023. Collection method: clinical testing. Allele origin: germline.
Comment: The p.R209S variant (also known as c.627G>T), located in coding exon 5 of the RECQL4 gene, results from a G to T substitution at nucleotide position 627. The arginine at codon 209 is replaced by serine, an amino acid with dissimilar properties. This amino acid position is conserved. In addition, this alteration is predicted to be tolerated by in silico analysis. Based on the available evidence, the clinical significance of this variant remains unclear.

Labcorp Genetics (formerly Invitae), Labcorp
Classification: Uncertain significance for Baller-Gerold syndrome. Last evaluated: 2021-12-15. Review status: criteria provided, single submitter. Criteria: Invitae Variant Classification Sherloc (09022015). Collection method: clinical testing. Allele origin: germline.
Comment: This variant is not present in population databases (gnomAD no frequency). This sequence change replaces arginine, which is basic and polar, with serine, which is neutral and polar, at codon 209 of the RECQL4 protein (p.Arg209Ser). This variant has not been reported in the literature in individuals affected with RECQL4-related conditions. In summary, the available evidence is currently insufficient to determine the role of this variant in disease. Therefore, it has been classified as a Variant of Uncertain Significance. Experimental studies and prediction algorithms are not available or were not evaluated, and the functional significance of this variant is currently unknown.

NM_004260.4(RECQL4):c.627G>T (p.Arg209Ser)

Gene: RECQL4 (RecQ like helicase 4; minus strand). Cytogenetic location: 8q24.3.
Variant type: single nucleotide variant.
Coding change: c.627G>T on transcript NM_004260.4 (MANE Select); coding-DNA position 627, G replaced by T.
Protein change: p.Arg209Ser; replaces arginine 209 with serine.
Molecular consequence: missense variant.
Genome position (GRCh38, 1-based): chr8:144,516,492, C>A on the plus strand (G>T on the coding strand, the complement: RECQL4 is on the minus strand). VCF-style: chr8-144516492-C-A. GRCh37 (hg19) VCF-style: chr8-145741876-C-A.
Other names: c.627G>T (NM_004260.3); short protein forms R209S.
Identifiers: ClinVar variation 1472822 (VCV001472822.7), dbSNP rs1586825129, ClinGen allele CA372690032.
Genomic context (GRCh38, chr8:144,516,492, plus strand): 5'-ACCAAGGACAGCCGACTCACCAGGGATCAGAAGTTGTGATTCCTCTGAGCCTAGATCAGG[C>A]CTGCAGGCTTTGGGGGCCCCCAGAAAATCTGGGACCTCACTGTGACATCGCTGTAACCAG-3'
Protein context (NP_004251.4, residues 199-219): PDFLGAPKAC[Arg209Ser]PDLGSEESQL